The following is an entry in ClinVar:

NM_004429.5(EFNB1):c.802C>T (p.Arg268Trp)

Gene: EFNB1 (ephrin B1; plus strand). Cytogenetic location: Xq13.1.
Variant type: single nucleotide variant.
Coding change: c.802C>T on transcript NM_004429.5 (MANE Select); coding-DNA position 802, C replaced by T.
Protein change: p.Arg268Trp; replaces arginine 268 with tryptophan.
Molecular consequence: missense variant.
Genome position (GRCh38, 1-based): chrX:68,840,415, C>T. VCF-style: chrX-68840415-C-T. GRCh37 (hg19) VCF-style: chrX-68060258-C-T.
Other names: short protein forms R268W.
Identifiers: ClinVar variation 2444552 (VCV002444552.1), dbSNP rs778499542, ClinGen allele CA10438235.
Genomic context (GRCh38, chrX:68,840,415, plus strand): 5'-TGCGTCATCTTCCTGCTCATCATCATCTTCCTGACGGTCCTACTACTGAAGCTACGCAAG[C>T]GGCACCGCAAGCACACACAGCAGCGGGCGGCTGCCCTCTCGCTCAGTACCCTGGCCAGTC-3'
Protein context (NP_004420.1, residues 258-278): LTVLLLKLRK[Arg268Trp]HRKHTQQRAA

ClinVar aggregate classification (germline): Uncertain significance (1 of 4 stars; one submission).

Allele frequency attached by ClinVar (database versions not stated): gnomAD exomes below 0.00001; ExAC 0.00001; TOPMed 0.00001.
gnomAD v4.1: 4 of 1,211,980 alleles (0.00033%); highest among the groups gnomAD compares: Non-Finnish European, 0.00045%; no homozygotes.

Submission:

GeneDx
Classification: Uncertain significance. Last evaluated: 2022-09-16. Review status: criteria provided, single submitter. Criteria: GeneDx Variant Classification Process June 2021. Collection method: clinical testing. Allele origin: germline. Affected: yes.
Comment: Not observed at significant frequency in large population cohorts (gnomAD); In silico analysis supports that this missense variant has a deleterious effect on protein structure/function; Has not been previously published as pathogenic or benign to our knowledge